The following is an entry in ClinVar:

ClinVar aggregate classification (germline): Likely benign (0 of 4 stars; one submission).

Conditions:
IL17RD-related disorder. Also called: IL17RD-related condition.

Allele frequency attached by ClinVar (database versions not stated): gnomAD 0.00001; ExAC 0.00002; 1000 Genomes Project 30x 0.00016; 1000 Genomes Project 0.00020.
gnomAD v4.1: 9 of 1,602,032 alleles (0.00056%); highest among the groups gnomAD compares: South Asian, 0.009%; no homozygotes.

Submission:

PreventionGenetics, part of Exact Sciences
Classification: Likely benign for IL17RD-related condition. Last evaluated: 2019-07-01. Review status: no assertion criteria provided. Collection method: clinical testing. Allele origin: germline.
Comment: This variant is classified as likely benign based on ACMG/AMP sequence variant interpretation guidelines (Richards et al. 2015 PMID: 25741868, with internal and published modifications).

NM_017563.5(IL17RD):c.1968G>T (p.Ser656=)

Genes: IL17RD (interleukin 17 receptor D; minus strand), LOC126806689 (BRD4-independent group 4 enhancer GRCh37_chr3:57131244-57132443; plus strand). Cytogenetic location: 3p14.3.
Variant type: single nucleotide variant.
Coding change: c.1968G>T on transcript NM_017563.5 (MANE Select); coding-DNA position 1968, G replaced by T.
Protein change: p.Ser656=; no amino-acid change (serine 656 retained).
Molecular consequence: synonymous variant.
Genome position (GRCh38, 1-based): chr3:57,097,735, C>A on the plus strand (G>T on the coding strand, the complement: IL17RD is on the minus strand). VCF-style: chr3-57097735-C-A. GRCh37 (hg19) VCF-style: chr3-57131763-C-A.
Other names: c.1968G>T, p.Ser656= (NM_001080973.1); c.1536G>T, p.Ser512= (NM_001318864.2).
Identifiers: ClinVar variation 3043465 (VCV003043465.2), dbSNP rs551495269, ClinGen allele CA2462614.
Genomic context (GRCh38, chr3:57,097,735, plus strand): 5'-CAGAGACAGCTCGGATGAGGGCACAGACGAGTCATAGATGCCTGAGTCCCGCGGCATGTC[C>A]GAGGGGCTGCCGGCTTTCACCGTGTGCAGCAGGGGTTGCAGGGCGGCGCTACCGTCAAGG-3'
Protein context (NP_060033.3, residues 646-666): LLHTVKAGSP[Ser656=]DMPRDSGIYD